The following is an entry in ClinVar:

NM_001267727.2(ARSG):c.455G>C (p.Gly152Ala)

Gene: ARSG (arylsulfatase G; plus strand). Cytogenetic location: 17q24.2.
Variant type: single nucleotide variant.
Coding change: c.455G>C on transcript NM_001267727.2 (MANE Select); coding-DNA position 455, G replaced by C.
Protein change: p.Gly152Ala; replaces glycine 152 with alanine.
Molecular consequence: missense variant.
Genome position (GRCh38, 1-based): chr17:68,351,575, G>C. VCF-style: chr17-68351575-G-C. GRCh37 (hg19) VCF-style: chr17-66347716-G-C.
Other names: c.455G>C, p.Gly152Ala (NM_001352899.2, NM_001352900.2, NM_001352901.2 and 8 more transcripts); c.407G>C, p.Gly136Ala (NM_001352909.2); short protein forms G152A, G136A.
Identifiers: ClinVar variation 2120444 (VCV002120444.4), dbSNP rs770312236, ClinGen allele CA8728250.

ClinVar aggregate classification (germline): Uncertain significance (1 of 4 stars; one submission).

Allele frequency attached by ClinVar (database versions not stated): ExAC 0.00001.
gnomAD v4.1: 1 of 1,602,914 alleles (0.000062%); no homozygotes.

Submission:

Labcorp Genetics (formerly Invitae), Labcorp
Classification: Uncertain significance. Last evaluated: 2022-04-01. Review status: criteria provided, single submitter. Criteria: Invitae Variant Classification Sherloc (09022015). Collection method: clinical testing. Allele origin: germline.
Comment: This sequence change replaces glycine, which is neutral and non-polar, with alanine, which is neutral and non-polar, at codon 152 of the ARSG protein (p.Gly152Ala). This variant is present in population databases (rs770312236, gnomAD 0.006%). This variant has not been reported in the literature in individuals affected with ARSG-related conditions. Algorithms developed to predict the effect of missense changes on protein structure and function are either unavailable or do not agree on the potential impact of this missense change (SIFT: "Deleterious"; PolyPhen-2: "Probably Damaging"; Align-GVGD: "Class C0"). Algorithms developed to predict the effect of sequence changes on RNA splicing suggest that this variant may disrupt the consensus splice site. In summary, the available evidence is currently insufficient to determine the role of this variant in disease. Therefore, it has been classified as a Variant of Uncertain Significance.